The following is an entry in ClinVar:

NM_001110556.2(FLNA):c.2247G>C (p.Trp749Cys)

Gene: FLNA (filamin A; minus strand). Cytogenetic location: Xq28.
Variant type: single nucleotide variant.
Coding change: c.2247G>C on transcript NM_001110556.2 (MANE Select); coding-DNA position 2247, G replaced by C.
Protein change: p.Trp749Cys; replaces tryptophan 749 with cysteine.
Molecular consequence: missense variant.
Genome position (GRCh38, 1-based): chrX:154,364,055, C>G on the plus strand (G>C on the coding strand, the complement: FLNA is on the minus strand). VCF-style: chrX-154364055-C-G. GRCh37 (hg19) VCF-style: chrX-153592423-C-G.
Other names: c.2247G>C, p.Trp749Cys (NM_001456.4); short protein forms W749C.
Identifiers: ClinVar variation 1486085 (VCV001486085.6), dbSNP rs2148115714, ClinGen allele CA415237685.

ClinVar aggregate classification (germline): Uncertain significance (1 of 4 stars; one submission).

Conditions:
Oto-palato-digital syndrome, type II (OPD2). Also called: FACIOPALATOOSSEOUS SYNDROME; OPD II SYNDROME; Otopalatodigital Syndrome, Type II; Otopalatodigital Syndrome Type 2 (FLNA-OPD2). Identifiers: Orphanet 669, Orphanet 90652, MedGen C1844696, MONDO:0010571, OMIM 304120.
Heterotopia, periventricular, X-linked dominant (PVNH1). Also called: PERIVENTRICULAR NODULAR HETEROTOPIA 4; HETEROTOPIA, PERIVENTRICULAR, 1; PERIVENTRICULAR NODULAR HETEROTOPIA 1; X-linked periventricular heterotopia. Identifiers: Orphanet 2149, Orphanet 82004, MedGen C1848213, MONDO:0010233, OMIM 300049.
Melnick-Needles syndrome (MNS). Also called: MELNICK-NEEDLES OSTEODYSPLASTY; OSTEODYSPLASTY OF MELNICK AND NEEDLES; Melnick-Needles Syndrome (FLNA-MNS). Identifiers: Orphanet 2484, MedGen C0025237, MONDO:0010650, OMIM 309350.
Frontometaphyseal dysplasia (FMD1). Identifiers: Orphanet 1826, MedGen C0265293, MONDO:0015942.

Submission:

Labcorp Genetics (formerly Invitae), Labcorp
Classification: Uncertain significance for Oto-palato-digital syndrome, type II; Heterotopia, periventricular, X-linked dominant; Frontometaphyseal dysplasia; Melnick-Needles syndrome. Last evaluated: 2021-11-01. Review status: criteria provided, single submitter. Criteria: Invitae Variant Classification Sherloc (09022015). Collection method: clinical testing. Allele origin: germline.
Comment: In summary, the available evidence is currently insufficient to determine the role of this variant in disease. Therefore, it has been classified as a Variant of Uncertain Significance. Advanced modeling of protein sequence and biophysical properties (such as structural, functional, and spatial information, amino acid conservation, physicochemical variation, residue mobility, and thermodynamic stability) performed at Invitae indicates that this missense variant is not expected to disrupt FLNA protein function. This variant has not been reported in the literature in individuals affected with FLNA-related conditions. This variant is not present in population databases (gnomAD no frequency). This sequence change replaces tryptophan, which is neutral and slightly polar, with cysteine, which is neutral and slightly polar, at codon 749 of the FLNA protein (p.Trp749Cys).